The following is an entry in ClinVar:

ClinVar aggregate classification (germline): Uncertain significance. Review status: criteria provided, multiple submitters, no conflicts (2 of 4 stars). 2 submissions from 2 submitters: Uncertain significance (2). Last evaluated 2022-08-16.

Conditions:
Cardiovascular phenotype. Identifiers: MedGen CN230736.
Dilated cardiomyopathy 1G (CMD1G). Identifiers: Orphanet 154, MedGen C1858763, MONDO:0011400, OMIM 604145.
Autosomal recessive limb-girdle muscular dystrophy type 2J (LGMDR10). Also called: Limb-girdle muscular dystrophy, type 2J; MUSCULAR DYSTROPHY, LIMB-GIRDLE, AUTOSOMAL RECESSIVE 10. Identifiers: Orphanet 140922, MedGen C1837342, MONDO:0012127, OMIM 608807.

gnomAD v4.1: 3 of 1,613,942 alleles (0.00019%); highest among the groups gnomAD compares: Admixed American, 0.005%; no homozygotes.

Submissions (2):

Labcorp Genetics (formerly Invitae), Labcorp
Classification: Uncertain significance for Dilated cardiomyopathy 1G; Autosomal recessive limb-girdle muscular dystrophy type 2J. Last evaluated: 2022-08-16. Review status: criteria provided, single submitter. Criteria: Invitae Variant Classification Sherloc (09022015). Collection method: clinical testing. Allele origin: germline.
Comment: In summary, the available evidence is currently insufficient to determine the role of this variant in disease. Therefore, it has been classified as a Variant of Uncertain Significance. This variant is located in the M band of TTN (PMID: 25589632). Variants in this region may be relevant for neuromuscular disorders, but have not been definitively shown to cause cardiomyopathy (PMID: 23975875). Experimental studies and prediction algorithms are not available or were not evaluated, and the functional significance of this variant is currently unknown. ClinVar contains an entry for this variant (Variation ID: 1471600). This variant has not been reported in the literature in individuals affected with TTN-related conditions. This variant is not present in population databases (gnomAD no frequency). This sequence change replaces proline, which is neutral and non-polar, with arginine, which is basic and polar, at codon 34969 of the TTN protein (p.Pro34969Arg).

Ambry Genetics
Classification: Uncertain significance for Cardiovascular phenotype. Last evaluated: 2018-06-01. Review status: criteria provided, single submitter. Criteria: Ambry Variant Classification Scheme 2023. Collection method: clinical testing. Allele origin: germline.
Comment: The p.P25904R variant (also known as c.77711C>G), located in coding exon 185 of the TTN gene, results from a C to G substitution at nucleotide position 77711. The proline at codon 25904 is replaced by arginine, an amino acid with dissimilar properties. This amino acid position is highly conserved in available vertebrate species. In addition, the in silico prediction for this alteration is inconclusive. Since supporting evidence is limited at this time, the clinical significance of this alteration remains unclear.

Literature cited by the submitters: PubMed 25589632 (cited by Labcorp Genetics (formerly Invitae), Labcorp); PubMed 23975875 (cited by Labcorp Genetics (formerly Invitae), Labcorp).

NM_001267550.2(TTN):c.104906C>G (p.Pro34969Arg)

Genes: TTN-AS1 (TTN antisense RNA 1; plus strand), TTN (titin; minus strand). Cytogenetic location: 2q31.2.
Variant type: single nucleotide variant.
Coding change: c.104906C>G on transcript NM_001267550.2 (MANE Select); coding-DNA position 104906, C replaced by G.
Protein change: p.Pro34969Arg; replaces proline 34969 with arginine.
Molecular consequence: missense variant.
Genome position (GRCh38, 1-based): chr2:178,531,709, G>C on the plus strand (C>G on the coding strand, the complement: TTN is on the minus strand). VCF-style: chr2-178531709-G-C. GRCh37 (hg19) VCF-style: chr2-179396436-G-C.
Other names: c.99983C>G, p.Pro33328Arg (NM_001256850.1); c.77711C>G, p.Pro25904Arg (NM_003319.4); c.97202C>G, p.Pro32401Arg (NM_133378.4); c.78086C>G, p.Pro26029Arg (NM_133432.3); c.78287C>G, p.Pro26096Arg (NM_133437.4); short protein forms P25904R, P34969R, P33328R, P32401R, P26029R, P26096R.
Identifiers: ClinVar variation 1471600 (VCV001471600.10), dbSNP rs2154133728, ClinGen allele CA349409913.